The following is an entry in ClinVar:

NM_005911.6(MAT2A):c.631G>A (p.Glu211Lys)

Genes: GGCX (gamma-glutamyl carboxylase; minus strand), MAT2A (methionine adenosyltransferase 2A; plus strand). Cytogenetic location: 2p11.2.
Variant type: single nucleotide variant.
Coding change: c.631G>A on transcript NM_005911.6 (MANE Select); coding-DNA position 631, G replaced by A.
Protein change: p.Glu211Lys; replaces glutamic acid 211 with lysine.
Molecular consequence: missense variant.
Genome position (GRCh38, 1-based): chr2:85,542,236, G>A. VCF-style: chr2-85542236-G-A. GRCh37 (hg19) VCF-style: chr2-85769359-G-A.
Other names: short protein forms E211K.
Identifiers: ClinVar variation 2630895 (VCV002630895.1), dbSNP rs1231258864, ClinGen allele CA347477195.
Genomic context (GRCh38, chr2:85,542,236, plus strand): 5'-GATCGAGGTGCTGTGCTTCCCATCAGAGTCCACACAATTGTTATATCTGTTCAGCATGAT[G>A]AAGAGGTTTGTCTTGATGAAATGAGGGATGCCCTAAAGGAGAAAGTCATCAAAGCAGTTG-3'
Protein context (NP_005902.1, residues 201-221): HTIVISVQHD[Glu211Lys]EVCLDEMRDA

ClinVar aggregate classification (germline): Uncertain significance (1 of 4 stars; one submission).

Conditions:
MAT2A-related disorder. Also called: MAT2A-related condition.

Allele frequency attached by ClinVar (database versions not stated): gnomAD exomes below 0.00001; TOPMed below 0.00001; gnomAD 0.00001.
gnomAD v4.1: 2 of 1,614,084 alleles (0.00012%); highest among the groups gnomAD compares: Non-Finnish European, 0.00017%; no homozygotes.

Submission:

PreventionGenetics, part of Exact Sciences
Classification: Uncertain significance for MAT2A-related condition. Last evaluated: 2023-08-22. Review status: criteria provided, single submitter. Criteria: ACMG Guidelines, 2015. Collection method: clinical testing. Allele origin: germline.
Comment: The MAT2A c.631G>A variant is predicted to result in the amino acid substitution p.Glu211Lys. To our knowledge, this variant has not been reported in the literature or in a large population database, indicating this variant is rare. At this time, the clinical significance of this variant is uncertain due to the absence of conclusive functional and genetic evidence.